The following is an entry in ClinVar:

NM_014874.4(MFN2):c.703C>T (p.Gln235Ter)

Gene: MFN2 (mitofusin 2; plus strand). Cytogenetic location: 1p36.22.
Variant type: single nucleotide variant.
Coding change: c.703C>T on transcript NM_014874.4 (MANE Select); coding-DNA position 703, C replaced by T.
Protein change: p.Gln235Ter; replaces glutamine 235 with a stop codon.
Molecular consequence: nonsense.
Genome position (GRCh38, 1-based): chr1:11,998,873, C>T. VCF-style: chr1-11998873-C-T. GRCh37 (hg19) VCF-style: chr1-12058930-C-T.
Other names: c.703C>T, p.Gln235Ter (NM_001127660.2); short protein forms Q235*.
Identifiers: ClinVar variation 408318 (VCV000408318.9), dbSNP rs879254210, ClinGen allele CA16609866.

ClinVar aggregate classification (germline): Pathogenic (1 of 4 stars; one submission).

Conditions:
Charcot-Marie-Tooth disease type 2. Also called: Charcot-Marie-Tooth type 2. Identifiers: Orphanet 64746, MedGen C0270914, MONDO:0018993.

Submission:

Labcorp Genetics (formerly Invitae), Labcorp
Classification: Pathogenic for Charcot-Marie-Tooth disease type 2. Last evaluated: 2019-10-19. Review status: criteria provided, single submitter. Criteria: Invitae Variant Classification Sherloc (09022015). Collection method: clinical testing. Allele origin: germline.
Comment: This variant is not present in population databases (ExAC no frequency). For these reasons, this variant has been classified as Pathogenic. Loss-of-function variants in MFN2 are known to be pathogenic (PMID: 16714318, 21715711, 26955893). This variant has not been reported in the literature in individuals with MFN2-related disease. This sequence change creates a premature translational stop signal (p.Gln235*) in the MFN2 gene. It is expected to result in an absent or disrupted protein product.

Literature cited by the submitters: PubMed 16714318; PubMed 21715711; PubMed 26955893.